The following is an entry in ClinVar:

NM_015443.4(KANSL1):c.912C>T (p.Arg304=)

Gene: KANSL1 (KAT8 regulatory NSL complex subunit 1). Cytogenetic location: 17q21.31.
Variant type: single nucleotide variant.
Coding change: c.912C>T on transcript NM_015443.4 (MANE Select); coding-DNA position 912, C replaced by T.
Protein change: p.Arg304=; no amino-acid change (arginine 304 retained).
Molecular consequence: synonymous variant.
Genome position (GRCh38, 1-based): chr17:46,171,232, G>A on the plus strand (C>T on the coding strand, the complement: KANSL1 is on the minus strand). VCF-style: chr17-46171232-G-A. GRCh37 (hg19) VCF-style: chr17-44248598-G-A.
Other names: c.912C>T, p.Arg304= (NM_001193465.2, NM_001193466.2, NM_001379198.1).
Identifiers: ClinVar variation 512321 (VCV000512321.11), dbSNP rs1175646397, ClinGen allele CA500644235.

ClinVar aggregate classification (germline): Likely benign. Review status: criteria provided, multiple submitters, no conflicts (2 of 4 stars). 3 submissions from 3 submitters: Likely benign (3). Last evaluated 2024-02-05.

Conditions:
Koolen-de Vries syndrome (KDVS). Identifiers: Orphanet 96169, MedGen C1864871, MONDO:0012496, OMIM 610443.

Allele frequency attached by ClinVar (database versions not stated): gnomAD exomes below 0.00001; gnomAD 0.00001.
gnomAD v4.1: 4 of 1,614,028 alleles (0.00025%); highest among the groups gnomAD compares: Admixed American, 0.0033%; no homozygotes.

Submissions (3):

Labcorp Genetics (formerly Invitae), Labcorp
Classification: Likely benign for Koolen-de Vries syndrome. Last evaluated: 2024-02-05. Review status: criteria provided, single submitter. Criteria: Invitae Variant Classification Sherloc (09022015). Collection method: clinical testing. Allele origin: germline.

Blueprint Genetics
Classification: Likely benign. Last evaluated: 2024-01-19. Review status: criteria provided, single submitter. Criteria: ACMG Guidelines, 2015. Collection method: clinical testing. Allele origin: germline.

GeneDx
Classification: Likely benign. Last evaluated: 2017-09-26. Review status: criteria provided, single submitter. Criteria: GeneDx Variant Classification (06012015). Collection method: clinical testing. Allele origin: germline. Affected: yes.
Comment: This variant is considered likely benign or benign based on one or more of the following criteria: it is a conservative change, it occurs at a poorly conserved position in the protein, it is predicted to be benign by multiple in silico algorithms, and/or has population frequency not consistent with disease.